The following is an entry in ClinVar:

NM_182931.3(KMT2E):c.238C>G (p.Pro80Ala)

Gene: KMT2E (lysine methyltransferase 2E (inactive); plus strand). Cytogenetic location: 7q22.3.
Variant type: single nucleotide variant.
Coding change: c.238C>G on transcript NM_182931.3 (MANE Select); coding-DNA position 238, C replaced by G.
Protein change: p.Pro80Ala; replaces proline 80 with alanine.
Molecular consequence: missense variant.
Genome position (GRCh38, 1-based): chr7:105,063,402, C>G. VCF-style: chr7-105063402-C-G. GRCh37 (hg19) VCF-style: chr7-104703849-C-G.
Other names: c.238C>G, p.Pro80Ala (NM_001410908.1, NM_018682.4); short protein forms P80A.
Identifiers: ClinVar variation 5008140 (VCV005008140.1).
Genomic context (GRCh38, chr7:105,063,402, plus strand): 5'-ATTATTCAGGACCATAATTATGGTGCTCGTCCTCCTCCGACACCTCCGGCTTCCCCTCCT[C>G]CATCAGTCCTTATTAGCAAAAATGAAGTAGGCATATTTACCACTCCTAATTTTGATGAAA-3'
Protein context (NP_891847.1, residues 70-90): PPPTPPASPP[Pro80Ala]SVLISKNEVG

ClinVar aggregate classification (germline): Uncertain significance (1 of 4 stars; one submission).

gnomAD v4.1: 1 of 1,613,574 alleles (0.000062%); highest among the groups gnomAD compares: Non-Finnish European, 0.000085%; no homozygotes.

Submission:

GeneDx
Classification: Uncertain significance. Last evaluated: 2026-02-26. Review status: criteria provided, single submitter. Criteria: GeneDx Variant Classification Process June 2021. Collection method: clinical testing. Allele origin: germline.
Comment: Not observed at significant frequency in large population cohorts (gnomAD); In silico analysis supports that this missense variant has a deleterious effect on protein structure/function; Has not been previously published as pathogenic or benign to our knowledge